The following is an entry in ClinVar:

ClinVar aggregate classification (germline): Uncertain significance. Review status: criteria provided, multiple submitters, no conflicts (2 of 4 stars). 2 submissions from 2 submitters: Uncertain significance (2). Last evaluated 2021-04-26.

Conditions:
Catecholaminergic polymorphic ventricular tachycardia 1. Also called: RYR2-Related Catecholaminergic Polymorphic Ventricular Tachycardia; VENTRICULAR TACHYCARDIA, CATECHOLAMINERGIC POLYMORPHIC, 1, WITH OR WITHOUT ATRIAL DYSFUNCTION AND/OR DILATED CARDIOMYOPATHY; VENTRICULAR TACHYCARDIA, STRESS-INDUCED POLYMORPHIC 1. Identifiers: Orphanet 3286, MedGen C1631597, MONDO:0011484, OMIM 604772.

Allele frequency attached by ClinVar (database versions not stated): gnomAD exomes below 0.00001.
gnomAD v4.1: 1 of 1,592,430 alleles (0.000063%); highest among the groups gnomAD compares: Non-Finnish European, 0.000086%; no homozygotes.

Submissions (2):

Labcorp Genetics (formerly Invitae), Labcorp
Classification: Uncertain significance for Catecholaminergic polymorphic ventricular tachycardia 1. Last evaluated: 2021-04-26. Review status: criteria provided, single submitter. Criteria: Invitae Variant Classification Sherloc (09022015). Collection method: clinical testing. Allele origin: germline.
Comment: Algorithms developed to predict the effect of missense changes on protein structure and function are either unavailable or do not agree on the potential impact of this missense change (SIFT: "Deleterious"; PolyPhen-2: "Benign"; Align-GVGD: "Class C25"). In summary, the available evidence is currently insufficient to determine the role of this variant in disease. Therefore, it has been classified as a Variant of Uncertain Significance. This variant has not been reported in the literature in individuals with RYR2-related conditions. This variant is not present in population databases (ExAC no frequency). This sequence change replaces isoleucine with valine at codon 3284 of the RYR2 protein (p.Ile3284Val). The isoleucine residue is highly conserved and there is a small physicochemical difference between isoleucine and valine.

GeneDx
Classification: Uncertain significance. Last evaluated: 2021-01-13. Review status: criteria provided, single submitter. Criteria: GeneDx Variant Classification Process June 2021. Collection method: clinical testing. Allele origin: germline. Affected: yes.
Comment: Has not been previously published as pathogenic or benign to our knowledge; Not observed in large population cohorts (Lek et al., 2016); In silico analysis supports that this missense variant does not alter protein structure/function; Not located in one of the three hot-spot regions of the RYR2 gene, where the majority of pathogenic missense variants occur (Medeiros-Domingo et al., 2009)

NM_001035.3(RYR2):c.9850A>G (p.Ile3284Val)

Gene: RYR2 (ryanodine receptor 2; plus strand). Cytogenetic location: 1q43.
Variant type: single nucleotide variant.
Coding change: c.9850A>G on transcript NM_001035.3 (MANE Select); coding-DNA position 9850, A replaced by G.
Protein change: p.Ile3284Val; replaces isoleucine 3284 with valine.
Molecular consequence: missense variant.
Genome position (GRCh38, 1-based): chr1:237,707,218, A>G. VCF-style: chr1-237707218-A-G. GRCh37 (hg19) VCF-style: chr1-237870518-A-G.
Other names: short protein forms I3284V.
Identifiers: ClinVar variation 1320834 (VCV001320834.11), dbSNP rs1688456675, ClinGen allele CA345409351.